The following is an entry in ClinVar:

NM_001267550.2(TTN):c.22068G>A (p.Trp7356Ter)

Gene: TTN (titin; minus strand). Cytogenetic location: 2q31.2.
Variant type: single nucleotide variant.
Coding change: c.22068G>A on transcript NM_001267550.2 (MANE Select); coding-DNA position 22068, G replaced by A.
Protein change: p.Trp7356Ter; replaces tryptophan 7356 with a stop codon.
Molecular consequence: nonsense. On other transcripts: intron variant (3).
Genome position (GRCh38, 1-based): chr2:178,722,831, C>T on the plus strand (G>A on the coding strand, the complement: TTN is on the minus strand). VCF-style: chr2-178722831-C-T. GRCh37 (hg19) VCF-style: chr2-179587558-C-T.
Other names: c.21117G>A, p.Trp7039Ter (NM_001256850.1); c.18336G>A, p.Trp6112Ter (NM_133378.4); c.13282+15251G>A (NM_003319.4); c.13858+15251G>A (NM_133437.4); c.13657+15251G>A (NM_133432.3); short protein forms W6112*, W7039*, W7356*.
Identifiers: ClinVar variation 3751747 (VCV003751747.2).
Genomic context (GRCh38, chr2:178,722,831, plus strand): 5'-ATTGTTTGTAAAGTAGGTCCTGTATTCAGGAGTTGGCCGTAATTTGGTATCTCCTTTGTA[C>T]CAAGACACTGTAATTTCTGGTGTCCCAGCAACTTGGCATTGTAAAGAAACCGAATCTCCA-3'

ClinVar aggregate classification (germline): Likely pathogenic (1 of 4 stars; one submission).

Conditions:
Autosomal recessive limb-girdle muscular dystrophy type 2J (LGMDR10). Also called: Limb-girdle muscular dystrophy, type 2J; MUSCULAR DYSTROPHY, LIMB-GIRDLE, AUTOSOMAL RECESSIVE 10. Identifiers: Orphanet 140922, MedGen C1837342, MONDO:0012127, OMIM 608807.
Dilated cardiomyopathy 1G (CMD1G). Identifiers: Orphanet 154, MedGen C1858763, MONDO:0011400, OMIM 604145.

Submission:

Labcorp Genetics (formerly Invitae), Labcorp
Classification: Likely pathogenic for Dilated cardiomyopathy 1G; Autosomal recessive limb-girdle muscular dystrophy type 2J. Last evaluated: 2025-02-01. Review status: criteria provided, single submitter. Criteria: Invitae Variant Classification Sherloc (09022015). Collection method: clinical testing. Allele origin: germline.
Comment: This sequence change creates a premature translational stop signal (p.Trp7356*) in the TTN gene. While this is not anticipated to result in nonsense mediated decay, it is expected to create a truncated TTN protein. This variant is not present in population databases (gnomAD no frequency). This variant has not been reported in the literature in individuals affected with TTN-related conditions. This variant is located in the I band of TTN (PMID: 25589632). Truncating variants in this region have been reported in individuals affected with autosomal recessive centronuclear myopathy (PMID: 23975875, internal data). Truncating variants in this region have also been identified in individuals affected with autosomal dominant dilated cardiomyopathy and/or cardio-related conditions (PMID: 27869827, 32964742, internal data). In summary, the currently available evidence indicates that the variant is pathogenic, but additional data are needed to prove that conclusively. Therefore, this variant has been classified as Likely Pathogenic.

Literature cited by the submitters: PubMed 25589632; PubMed 23975875; PubMed 27869827; PubMed 32964742.